The following is an entry in ClinVar:

NM_001393504.1(MAST3):c.3918C>T (p.Ala1306=)

Gene: MAST3 (microtubule associated serine/threonine kinase 3; plus strand). Cytogenetic location: 19p13.11.
Variant type: single nucleotide variant.
Coding change: c.3918C>T on transcript NM_001393504.1 (MANE Select); coding-DNA position 3918, C replaced by T.
Protein change: p.Ala1306=; no amino-acid change (alanine 1306 retained).
Molecular consequence: synonymous variant.
Genome position (GRCh38, 1-based): chr19:18,149,600, C>T. VCF-style: chr19-18149600-C-T. GRCh37 (hg19) VCF-style: chr19-18260410-C-T.
Other names: c.3942C>T, p.Ala1314= (NM_001393501.1); c.3921C>T, p.Ala1307= (NM_001393502.1); c.3918C>T, p.Ala1306= (NM_001393503.1); c.3888C>T, p.Ala1296= (NM_001393505.1); c.3870C>T, p.Ala1290= (NM_001393506.1, NM_001393507.1); c.3852C>T, p.Ala1284= (NM_001393508.1); c.3849C>T, p.Ala1283= (NM_001393509.1, NM_001393510.1); c.3846C>T, p.Ala1282= (NM_001393511.1, NM_001393512.1); and 9 more.
Identifiers: ClinVar variation 4979892 (VCV004979892.1).

ClinVar aggregate classification (germline): Likely benign (1 of 4 stars; one submission).

Conditions:
MAST3-related disorder.

gnomAD v4.1: 2 of 1,611,910 alleles (0.00012%); highest among the groups gnomAD compares: African/African-American, 0.0013%; no homozygotes.

Submission:

PreventionGenetics, part of Exact Sciences
Classification: Likely benign for MAST3-related condition. Last evaluated: 2025-10-10. Review status: criteria provided, single submitter. Criteria: ACMG Guidelines, 2015. Collection method: clinical testing. Allele origin: germline.
Comment: This variant is classified as likely benign based on ACMG/AMP sequence variant interpretation guidelines (Richards et al. 2015 PMID: 25741868, with internal and published modifications).